The following is an entry in ClinVar:

ClinVar aggregate classification (germline): Pathogenic (1 of 4 stars; one submission).

Conditions:
Charcot-Marie-Tooth disease, type I (CMT1). Also called: Charcot-Marie-Tooth, Type 1; Charcot-Marie-Tooth disease type 1. Identifiers: Orphanet 65753, MedGen C0751036, MONDO:0019011.

Submission:

Labcorp Genetics (formerly Invitae), Labcorp
Classification: Pathogenic for Charcot-Marie-Tooth disease, type I. Last evaluated: 2019-05-01. Review status: criteria provided, single submitter. Criteria: Invitae Variant Classification Sherloc (09022015). Collection method: clinical testing. Allele origin: germline.
Comment: This variant is a gross deletion of the genomic region encompassing exons 4-5 of the PMP22 gene. The 5' boundary is likely confined to intron 3. The 3' end of this event is unknown as it extends through the termination codon beyond the assayed region for this gene and may encompass additional genes. While this deletion is not anticipated to result in nonsense mediated decay, it is expected to create a truncated protein product or disrupt mRNA translation. Similar deletions have been observed in individuals affected with hereditary neuropathy with liability to pressure palsies or Charcot-Marie-Tooth disease (PMID: 12207933, 20493460). Sub-genic deletion of exon 5 has been determined to be pathogenic (PMID: 20739940, 22190321, Invitae). Therefore, deletions that fully encompass that region are also expected to be pathogenic. For these reasons, this variant has been classified as Pathogenic.

Literature cited by the submitters: PubMed 20739940; PubMed 20493460; PubMed 22190321; PubMed 12207933.

NC_000017.11:g.(?_15229767)_(15239621_?)del

Gene: PMP22 (peripheral myelin protein 22; minus strand). Cytogenetic location: 17p12.
Variant type: Deletion.
Identifiers: ClinVar variation 831399 (VCV000831399.1).